The following continues an entry in ClinVar:

NM_003060.4(SLC22A5):c.1345T>G (p.Tyr449Asp)

Gene: SLC22A5. ClinVar aggregate classification (germline): Conflicting classifications of pathogenicity. Pathogenic (4); Likely pathogenic (5); Uncertain significance (8).

Submissions 8 to 17 of 17:

NHS Central & South Genomic Laboratory Hub
Classification: Likely pathogenic for Acute Rhabdomyolysis. Last evaluated: 2025-10-21. Review status: criteria provided, single submitter. Criteria: ACMG Guidelines, 2015. Collection method: clinical testing. Allele origin: germline. Affected: yes.

Natera, Inc.
Classification: Likely pathogenic for Carnitine deficiency. Last evaluated: 2025-07-28. Review status: criteria provided, single submitter. Criteria: Natera Variant Classification Schema (03/2026). Collection method: clinical testing. Allele origin: germline.
Comment: The c.1345T>G variant in SLC22A5 is a missense variant predicted to cause substitution of tyrosine to aspartic acid at amino acid 449. This variant is rare in the general population with a frequency below the threshold expected for the associated phenotype(s). This variant has been observed in at least one unaffected individual, with a zygosity that is consistent with the inheritance pattern for the associated condition (in gnomAD and/or literature). This variant has been observed in one or more individuals affected with the associated recessive disease, as either homozygous or compound heterozygous with a second variant (PMID: 28841266, 35281663). Functional studies show that this variant may disrupt protein function (PMID: 14665638). Computational prediction algorithms indicate this variant is likely to affect gene or protein function. Given the available evidence, this variant is classified as Likely Pathogenic.

Blueprint Genetics
Classification: Uncertain significance. Last evaluated: 2024-08-20. Review status: criteria provided, single submitter. Criteria: ACMG Guidelines, 2015. Collection method: clinical testing. Allele origin: germline.

Giacomini Lab, University of California, San Francisco
Classification: Pathogenic for Renal carnitine transport defect. Last evaluated: 2022-10-03. Review status: criteria provided, single submitter. Criteria: ACMG Guidelines, 2015. Collection method: research, in vitro. Allele origin: germline, not applicable.

Genome-Nilou Lab
Classification: Uncertain significance for Renal carnitine transport defect. Last evaluated: 2021-07-15. Review status: criteria provided, single submitter. Criteria: ACMG Guidelines, 2015. Collection method: clinical testing. Allele origin: germline. Affected: no.

Laboratorio de Genetica e Diagnostico Molecular, Hospital Israelita Albert Einstein
Classification: Uncertain significance. Last evaluated: 2021-06-22. Review status: criteria provided, single submitter. Criteria: ACMG Guidelines, 2015. Collection method: clinical testing. Allele origin: germline. Affected: yes.
Comment: ACMG classification criteria: PM2, PP3, BP1

Clinical Genomics Laboratory, Stanford Medicine
Classification: Likely pathogenic for Renal carnitine transport defect. Last evaluated: 2021-03-30. Review status: criteria provided, single submitter. Criteria: ACMG Guidelines, 2015. Collection method: clinical testing. Allele origin: germline. Affected: yes. Observed: 1 heterozygote.
Comment: • The p.Tyr449Asp variant in the SLC22A5 gene has been previously reported in at least 6 individuals with systemic primary carnitine deficiency (Li et al., 2010; Vockley et al., 2000; Amat di San Filippo et al., 2004; Frigeni et al., 2017; Guevara-Campos et al., 2019). In one individual, this variant was observed in trans with another likely pathogenic/pathogenic variant (p.Leu269Argfs*26); and another individual was homozygous for this variant, consistent with autosomal recessive inheritance (Frigeni et al., 2017; ARUP Primary Carnitine Deficiency and SLC22A5 Database). • The p.Tyr449Asp variant has been identified in 92/24,958 African/African-American chromosomes by the Genome Aggregation Database. • Functional studies of this variant are supportive of a deleterious effect to the protein; however, it is unclear if this would be sufficient to be disease-causing (Amat di San Filippo et al., 2004; Urban et al., 2006; Frigeni et al., 2017). • The p.Tyr449Asp variant is located in the intracellular loop between transmembrane domains 10 and 11 of SLC22A5 (Amat di San Filippo et al., 2004). Other nearby disease-associated variants have been described in this domain, including at least one that has been shown to reduce carnitine transport (Wang et al., 2000). • Computational tools predict that this variant is deleterious; however, the accuracy of in silico algorithms is limited. • These data were assessed using the ACMG/AMP variant interpretation guidelines. In summary, there is sufficient evidence to classify the p.Tyr449Asp variant as likely pathogenic for systemic primary carnitine deficiency in an autosomal recessive manner based on the information above. [ACMG evidence codes used: PS3_moderate; PM3; PM1; PP3]

ARUP Laboratories, Molecular Genetics and Genomics, ARUP Laboratories
Classification: Pathogenic. Last evaluated: 2017-05-04. Review status: criteria provided, single submitter. Criteria: ARUP Molecular Germline Variant Investigation Process. Collection method: clinical testing. Allele origin: germline.
Comment: The SLC22A5 c.1345T>G, p.Tyr449Asp variant (rs11568514) has been reported in individuals with primary carnitine deficiency (Amat di San Filippo 2004, Li 2010). Functional characterization of the variant protein indicates a decrease in carnitine transport in response to sodium, and an altered preference for tetraethylammonium cation (Amat di San Filippo 2004, Urban 2006). The p.Tyr449Asp variant is located in the intracellular loop between transmembrane domains 10 and 11, and another alteration in this region (p.Glu452Lys) have also been shown to affect sodium-dependent carnitine transport (Wang 2000), suggesting that this region has functional significance. The variant is listed as pathogenic in ClinVar (Variation ID: 25420), and observed in the general population databases at a frequency of 0.2 percent in the 1000 Genomes Project (8/5008 alleles), 0.1 percent in the Exome Variant Server (16/13006 alleles), and 0.03 percent in the Genome Aggregation Database (90/277216 alleles). The tyrosine at residue 449 is moderately conserved, and computational algorithms (Align GVGD, Mutation Taster, PolyPhen-2, SIFT) predict that the variant has an impact on the protein. Based on the above information, the variant is classified as pathogenic. References: Amat di San Filippo C et al. Tyrosine residues affecting sodium stimulation of carnitine transport in the OCTN2 carnitine/organic cation transporter. J Biol Chem. 2004; 279(8):7247-53. Li F et al. Molecular spectrum of SLC22A5 (OCTN2) gene mutations detected in 143 subjects evaluated for systemic carnitine deficiency. Hum Mutat. 2010; 31(8):E1632-51. Urban T et al. Functional genetic diversity in the high-affinity carnitine transporter OCTN2 (SLC22A5). Mol Pharmacol. 2006; 70(5):1602-11. Wang Y et al. Abnormal sodium stimulation of carnitine transport in primary carnitine deficiency. J Biol Chem. 2000; 275(27):20782-6.

Center for Pediatric Genomic Medicine, Children's Mercy Hospital and Clinics
Classification: Uncertain significance. Last evaluated: 2017-03-31. Review status: criteria provided, single submitter. Criteria: ACMG Guidelines, 2015. Collection method: clinical testing. Allele origin: germline.

Eurofins Ntd Llc (ga)
Classification: Uncertain significance. Last evaluated: 2017-03-29. Review status: criteria provided, single submitter. Criteria: EGL Classification Definitions 2015. Collection method: clinical testing. Allele origin: germline. Observed: 5 variant alleles, 5 heterozygotes.

Literature cited by the submitters: PubMed 15714519 (cited by Women's Health and Genetics/Laboratory Corporation of America, LabCorp and Mayo Clinic Laboratories, Mayo Clinic); PubMed 20574985 (cited by 3 submitters); PubMed 28841266 (cited by 6 submitters); PubMed 16931768 (cited by 5 submitters); PubMed 14665638 (cited by 6 submitters); PubMed 31200524 (cited by Women's Health and Genetics/Laboratory Corporation of America, LabCorp and Myriad Genetics, Inc.); PubMed 16652335 (cited by Labcorp Genetics (formerly Invitae), Labcorp and Mayo Clinic Laboratories, Mayo Clinic); PubMed 18337137 (cited by 3 submitters); PubMed 35281663 (cited by Myriad Genetics, Inc. and Natera, Inc.); PubMed 36343260 (cited by Myriad Genetics, Inc. and Mayo Clinic Laboratories, Mayo Clinic); PubMed 11001791 (cited by Mayo Clinic Laboratories, Mayo Clinic); PubMed 32778825 (cited by Mayo Clinic Laboratories, Mayo Clinic).